The following is an entry in ClinVar:

ClinVar aggregate classification (germline): Pathogenic. Review status: criteria provided, single submitter (1 of 4 stars). 2 submissions from 2 submitters: Pathogenic (1). 1 of the submissions does not count toward it. Last evaluated 2019-11-26.

Conditions:
Steinert myotonic dystrophy syndrome (DM1). Also called: STEINERT DISEASE; Myotonic dystrophy type 1; Dystrophia myotonica type 1; Steinert myotonic dystrophy; Steinert's disease. Identifiers: Orphanet 273, MedGen C3250443, MONDO:0008056, OMIM 160900.

Submissions (2):

Neuromuscular Research, Maastricht University Medical Centre
Classification: Pathogenic for Steinert myotonic dystrophy syndrome. Last evaluated: 2019-11-26. Review status: criteria provided, single submitter. Criteria: Best practice guidelines on molecular diagnosis DM1 and DM2, Kamsteeg et al. 2012. Collection method: clinical testing. Allele origin: paternal. Affected: yes.

Institute of Molecular, Cell and Systems Biology, University of Glasgow
Classification: Pathogenic for Steinert myotonic dystrophy syndrome. Review status: no assertion criteria provided. Criteria: research. Collection method: research. Allele origin: germline. Inheritance: Autosomal dominant inheritance. Affected: no. Observed: 2 heterozygotes. Not counted in ClinVar's aggregate classification.
Comment: DMPK CTG repeat expansions greater than approximately 45-50 repeats are assumed to be pathogenic

This record is based on data published in PubMed 25052313, which reports only ClinVar accessions SCV000120188 and SCV000120189. The complete data set includes SCV000207445 - SCV000207579.

Literature cited by the submitters: PubMed 32203199 (cited by Neuromuscular Research, Maastricht University Medical Centre); PubMed 1346923 (cited by Institute of Molecular, Cell and Systems Biology, University of Glasgow); PubMed 1546326 (cited by Institute of Molecular, Cell and Systems Biology, University of Glasgow); PubMed 25052313 (cited by Institute of Molecular, Cell and Systems Biology, University of Glasgow).

NM_004409.5(DMPK):c.*224CTG[69]

Genes: DM1-AS (DM1 locus antisense RNA; plus strand), DMPK (DM1 protein kinase; minus strand), LOC107075317 (origin of replication in DMPK trinucleotide repeat region; plus strand), LOC109461477 (dystrophia myotonica protein kinase repeat instability region; plus strand). Cytogenetic location: 19q13.32.
Variant type: Microsatellite.
Coding change: c.*224CTG[69] on transcript NM_004409.5 (MANE Select); 69 copies in a row of the 3-base unit CTG starting at c.*224.
Molecular consequence: 3 prime UTR variant.
Genome position: GRCh38, VCF-style position (the base before the change): chr19:45,770,204. GRCh37 (hg19), VCF-style position (the base before the change): chr19:46,273,462.
Other names: DM1 CTG repeat expansion; c.*224CTG[69] (NM_001288764.2, NM_001424165.1, NM_001424169.1 and 1 more transcripts); c.*217CTG[69] (NM_001288765.2, NM_001424162.1, NM_001424163.1 and 2 more transcripts); c.*369CTG[69] (NM_001288766.2, NM_001424164.1, NM_001424168.1); c.*222_*224TGC[69] (NM_001081563.3).
Identifiers: ClinVar variation 188022 (VCV000188022.3), ClinGen allele CA915951851.